The following is an entry in ClinVar:

NM_003242.6(TGFBR2):c.59T>G (p.Ile20Ser)

Gene: TGFBR2 (transforming growth factor beta receptor 2; plus strand). Cytogenetic location: 3p24.1.
Variant type: single nucleotide variant.
Coding change: c.59T>G on transcript NM_003242.6 (MANE Select); coding-DNA position 59, T replaced by G.
Protein change: p.Ile20Ser; replaces isoleucine 20 with serine.
Molecular consequence: missense variant. On other transcripts: 5 prime UTR variant (4), intron variant (2).
Genome position (GRCh38, 1-based): chr3:30,606,942, T>G. VCF-style: chr3-30606942-T-G. GRCh37 (hg19) VCF-style: chr3-30648434-T-G.
Other names: c.59T>G, p.Ile20Ser (NM_001024847.3, NM_001407126.1, NM_001407127.1 and 4 more transcripts); c.-225T>G (NM_001407133.1); c.-103T>G (NM_001407134.1); c.-150T>G (NM_001407135.1); c.-235T>G (NM_001407136.1); c.-12+349T>G (NM_001407129.1, NM_001407132.1); short protein forms I20S.
Identifiers: ClinVar variation 3610878 (VCV003610878.2).

ClinVar aggregate classification (germline): Uncertain significance (1 of 4 stars; one submission).

Conditions:
Familial thoracic aortic aneurysm and aortic dissection (TAAD). Also called: Thoracic aortic aneurysms and dissections. Identifiers: Orphanet 91387, MedGen C4707243, MONDO:0019625.

Submission:

Labcorp Genetics (formerly Invitae), Labcorp
Classification: Uncertain significance for Familial thoracic aortic aneurysm and aortic dissection. Last evaluated: 2024-04-14. Review status: criteria provided, single submitter. Criteria: Invitae Variant Classification Sherloc (09022015). Collection method: clinical testing. Allele origin: germline.
Comment: This sequence change replaces isoleucine, which is neutral and non-polar, with serine, which is neutral and polar, at codon 20 of the TGFBR2 protein (p.Ile20Ser). This variant is not present in population databases (gnomAD no frequency). This variant has not been reported in the literature in individuals affected with TGFBR2-related conditions. Advanced modeling of protein sequence and biophysical properties (such as structural, functional, and spatial information, amino acid conservation, physicochemical variation, residue mobility, and thermodynamic stability) performed at Invitae indicates that this missense variant is not expected to disrupt TGFBR2 protein function with a negative predictive value of 95%. In summary, the available evidence is currently insufficient to determine the role of this variant in disease. Therefore, it has been classified as a Variant of Uncertain Significance.